The following is an entry in ClinVar:

ClinVar aggregate classification (germline): Uncertain significance (1 of 4 stars; one submission).

Allele frequency attached by ClinVar (database versions not stated): TOPMed below 0.00001.

Submission:

Labcorp Genetics (formerly Invitae), Labcorp
Classification: Uncertain significance. Last evaluated: 2022-03-26. Review status: criteria provided, single submitter. Criteria: Invitae Variant Classification Sherloc (09022015). Collection method: clinical testing. Allele origin: germline.
Comment: This sequence change replaces methionine, which is neutral and non-polar, with isoleucine, which is neutral and non-polar, at codon 1743 of the NBAS protein (p.Met1743Ile). The frequency data for this variant in the population databases is considered unreliable, as metrics indicate poor data quality at this position in the gnomAD database. This variant has not been reported in the literature in individuals affected with NBAS-related conditions. Algorithms developed to predict the effect of missense changes on protein structure and function are either unavailable or do not agree on the potential impact of this missense change (SIFT: "Deleterious"; PolyPhen-2: "Benign"; Align-GVGD: "Class C0"). In summary, the available evidence is currently insufficient to determine the role of this variant in disease. Therefore, it has been classified as a Variant of Uncertain Significance.

NM_015909.4(NBAS):c.5229G>T (p.Met1743Ile)

Gene: NBAS (NBAS subunit of NRZ tethering complex; minus strand). Cytogenetic location: 2p24.3.
Variant type: single nucleotide variant.
Coding change: c.5229G>T on transcript NM_015909.4 (MANE Select); coding-DNA position 5229, G replaced by T.
Protein change: p.Met1743Ile; replaces methionine 1743 with isoleucine.
Molecular consequence: missense variant. On other transcripts: non-coding transcript variant (1).
Genome position (GRCh38, 1-based): chr2:15,277,011, C>A on the plus strand (G>T on the coding strand, the complement: NBAS is on the minus strand). VCF-style: chr2-15277011-C-A. GRCh37 (hg19) VCF-style: chr2-15417135-C-A.
Other names: short protein forms M1743I.
Identifiers: ClinVar variation 1965580 (VCV001965580.2), dbSNP rs1427070506, ClinGen allele CA345883884.